The following is an entry in ClinVar:

NM_000548.5(TSC2):c.4967A>C (p.Asp1656Ala)

Gene: TSC2 (TSC complex subunit 2; plus strand). Cytogenetic location: 16p13.3.
Variant type: single nucleotide variant.
Coding change: c.4967A>C on transcript NM_000548.5 (MANE Select); coding-DNA position 4967, A replaced by C.
Protein change: p.Asp1656Ala; replaces aspartic acid 1656 with alanine.
Molecular consequence: missense variant. On other transcripts: non-coding transcript variant (5).
Genome position (GRCh38, 1-based): chr16:2,086,849, A>C. VCF-style: chr16-2086849-A-C. GRCh37 (hg19) VCF-style: chr16-2136850-A-C.
Other names: c.4766A>C, p.Asp1589Ala (NM_001077183.3); c.4898A>C, p.Asp1633Ala (NM_001114382.3); c.4658A>C, p.Asp1553Ala (NM_001318827.2); c.4622A>C, p.Asp1541Ala (NM_001318829.2); c.4235A>C, p.Asp1412Ala (NM_001318831.2); c.4799A>C, p.Asp1600Ala (NM_001318832.2); c.4769A>C, p.Asp1590Ala (NM_001363528.2); c.4835A>C, p.Asp1612Ala (NM_001370404.1); and 26 more; short protein forms D1141A, D1142A, D1164A, D1412A, D1456A, D1552A, D1584A, D1596A.
Identifiers: ClinVar variation 3462670 (VCV003462670.1).

ClinVar aggregate classification (germline): Uncertain significance (1 of 4 stars; one submission).

Conditions:
Hereditary cancer-predisposing syndrome. Also called: Tumor predisposition; Neoplastic Syndromes, Hereditary; Hereditary neoplastic syndrome; Hereditary Cancer Syndrome. Identifiers: Orphanet 140162, MedGen C0027672, MeSH D009386, MONDO:0015356.

Submission:

Ambry Genetics
Classification: Uncertain significance for Hereditary cancer-predisposing syndrome. Last evaluated: 2024-11-21. Review status: criteria provided, single submitter. Criteria: Ambry Variant Classification Scheme 2023. Collection method: clinical testing. Allele origin: germline.
Comment: The p.D1656A variant (also known as c.4967A>C), located in coding exon 37 of the TSC2 gene, results from an A to C substitution at nucleotide position 4967. The aspartic acid at codon 1656 is replaced by alanine, an amino acid with dissimilar properties. This amino acid position is well conserved in available vertebrate species. In addition, this alteration is predicted to be deleterious by in silico analysis. Based on the available evidence, the clinical significance of this variant remains unclear.